The following is an entry in ClinVar:

ClinVar aggregate classification (germline): Uncertain significance. Review status: criteria provided, multiple submitters, no conflicts (2 of 4 stars). 2 submissions from 2 submitters: Uncertain significance (2). Last evaluated 2023-09-13.

Conditions:
Familial cold autoinflammatory syndrome 2 (FCAS2). Identifiers: Orphanet 247868, MedGen C2673198, MONDO:0012724, OMIM 611762.

Allele frequency attached by ClinVar (database versions not stated): gnomAD exomes below 0.00001 and 0.00001.
gnomAD v4.1: 2 of 1,614,112 alleles (0.00012%); highest among the groups gnomAD compares: African/African-American, 0.0013%; no homozygotes.

Submissions (2):

Blueprint Genetics
Classification: Uncertain significance. Last evaluated: 2023-09-13. Review status: criteria provided, single submitter. Criteria: ACMG Guidelines, 2015. Collection method: clinical testing. Allele origin: germline.

Labcorp Genetics (formerly Invitae), Labcorp
Classification: Uncertain significance for Familial cold autoinflammatory syndrome 2. Last evaluated: 2022-08-16. Review status: criteria provided, single submitter. Criteria: Invitae Variant Classification Sherloc (09022015). Collection method: clinical testing. Allele origin: germline.
Comment: This variant has not been reported in the literature in individuals affected with NLRP12-related conditions. This variant is present in population databases (no rsID available, gnomAD 0.002%). This sequence change replaces glutamic acid, which is acidic and polar, with lysine, which is basic and polar, at codon 78 of the NLRP12 protein (p.Glu78Lys). ClinVar contains an entry for this variant (Variation ID: 1349258). In summary, the available evidence is currently insufficient to determine the role of this variant in disease. Therefore, it has been classified as a Variant of Uncertain Significance. Algorithms developed to predict the effect of missense changes on protein structure and function (SIFT, PolyPhen-2, Align-GVGD) all suggest that this variant is likely to be tolerated.

NM_144687.4(NLRP12):c.232G>A (p.Glu78Lys)

Gene: NLRP12 (NLR family pyrin domain containing 12; minus strand). Cytogenetic location: 19q13.42.
Variant type: single nucleotide variant.
Coding change: c.232G>A on transcript NM_144687.4 (MANE Select); coding-DNA position 232, G replaced by A.
Protein change: p.Glu78Lys; replaces glutamic acid 78 with lysine.
Molecular consequence: missense variant.
Genome position (GRCh38, 1-based): chr19:53,823,943, C>T on the plus strand (G>A on the coding strand, the complement: NLRP12 is on the minus strand). VCF-style: chr19-53823943-C-T. GRCh37 (hg19) VCF-style: chr19-54327197-C-T.
Other names: c.232G>A, p.Glu78Lys (NM_001277126.2, NM_001277129.1); short protein forms E78K.
Identifiers: ClinVar variation 1349258 (VCV001349258.7), dbSNP rs1445163997, ClinGen allele CA407419049.